The following is an entry in ClinVar:

ClinVar aggregate classification (germline): Uncertain significance. Review status: criteria provided, multiple submitters, no conflicts (2 of 4 stars). 3 submissions from 3 submitters: Uncertain significance (2). 1 of the submissions does not count toward it. Last evaluated 2022-10-12.

Conditions:
Hereditary cancer-predisposing syndrome. Also called: Hereditary neoplastic syndrome; Tumor predisposition; Hereditary Cancer Syndrome; Neoplastic Syndromes, Hereditary. Identifiers: Orphanet 140162, MedGen C0027672, MeSH D009386, MONDO:0015356.
Fanconi anemia (FA). Also called: Fanconi's anemia. Identifiers: Orphanet 84, MedGen C0015625, MeSH D005199, MONDO:0019391.

Submissions (3):

Ambry Genetics
Classification: Uncertain significance for Hereditary cancer-predisposing syndrome. Last evaluated: 2022-10-12. Review status: criteria provided, single submitter. Criteria: Ambry Variant Classification Scheme 2023. Collection method: clinical testing. Allele origin: germline.
Comment: The p.P142A variant (also known as c.424C>G), located in coding exon 4 of the FANCC gene, results from a C to G substitution at nucleotide position 424. The proline at codon 142 is replaced by alanine, an amino acid with highly similar properties. This amino acid position is conserved. In addition, this alteration is predicted to be tolerated by in silico analysis. Since supporting evidence is limited at this time, the clinical significance of this alteration remains unclear.

Labcorp Genetics (formerly Invitae), Labcorp
Classification: Uncertain significance for Fanconi anemia. Last evaluated: 2016-12-07. Review status: criteria provided, single submitter. Criteria: Invitae Variant Classification Sherloc (09022015). Collection method: clinical testing. Allele origin: germline.
Comment: Algorithms developed to predict the effect of sequence changes on RNA splicing suggest that this variant may alter RNA splicing, but this prediction has not been confirmed by published transcriptional studies. In summary, this variant is a novel missense change with uncertain impact on protein function. It has been classified as a Variant of Uncertain Significance. Algorithms developed to predict the effect of missense changes on protein structure and function do not agree on the potential impact of this missense change (SIFT: "Tolerated"; PolyPhen-2: "Possibly Damaging"; Align-GVGD: "Class C0"). This variant is not present in population databases (ExAC no frequency) and has not been reported in the literature in individuals with a FANCC-related disease. This sequence change replaces proline with alanine at codon 142 of the FANCC protein (p.Pro142Ala). The proline residue is moderately conserved and there is a small physicochemical difference between proline and alanine.

Natera, Inc.
Classification: Uncertain significance for Fanconi anemia. Last evaluated: 2021-07-06. Review status: no assertion criteria provided. Collection method: clinical testing. Allele origin: germline. Not counted in ClinVar's aggregate classification.

NM_000136.3(FANCC):c.424C>G (p.Pro142Ala)

Gene: FANCC (FA complementation group C; minus strand). Cytogenetic location: 9q22.32.
Variant type: single nucleotide variant.
Coding change: c.424C>G on transcript NM_000136.3 (MANE Select); coding-DNA position 424, C replaced by G.
Protein change: p.Pro142Ala; replaces proline 142 with alanine.
Molecular consequence: missense variant.
Genome position (GRCh38, 1-based): chr9:95,172,069, G>C on the plus strand (C>G on the coding strand, the complement: FANCC is on the minus strand). VCF-style: chr9-95172069-G-C. GRCh37 (hg19) VCF-style: chr9-97934351-G-C.
Other names: c.424C>G, p.Pro142Ala (NM_001243743.2, NM_001243744.2); short protein forms P142A.
Identifiers: ClinVar variation 220563 (VCV000220563.15), dbSNP rs864622581, ClinGen allele CA348683.